The following is an entry in ClinVar:

ClinVar aggregate classification (germline): Pathogenic (1 of 4 stars; one submission).

Submission:

Labcorp Genetics (formerly Invitae), Labcorp
Classification: Pathogenic. Last evaluated: 2023-08-02. Review status: criteria provided, single submitter. Criteria: Invitae Variant Classification Sherloc (09022015). Collection method: clinical testing. Allele origin: germline.
Comment: For these reasons, this variant has been classified as Pathogenic. This variant disrupts a region of the ZNF469 protein in which other variant(s) (p.Pro3556Glnfs*136) have been determined to be pathogenic (PMID: 32671420). This suggests that this is a clinically significant region of the protein, and that variants that disrupt it are likely to be disease-causing. This variant has not been reported in the literature in individuals affected with ZNF469-related conditions. This variant is not present in population databases (gnomAD no frequency). This sequence change creates a premature translational stop signal (p.Pro2636Thrfs*23) in the ZNF469 gene. While this is not anticipated to result in nonsense mediated decay, it is expected to disrupt the last 1290 amino acid(s) of the ZNF469 protein.

Literature cited by the submitters: PubMed 32671420.

NM_001367624.2(ZNF469):c.7988dup (p.Pro2664fs)

Gene: ZNF469 (zinc finger protein 469; plus strand). Cytogenetic location: 16q24.2.
Variant type: Duplication.
Coding change: c.7988dup on transcript NM_001367624.2 (MANE Select); coding-DNA position 7988, one base duplicated (G; older notation c.7988dupG).
Protein change: p.Pro2664fs; shifts the reading frame from proline 2664.
Molecular consequence: frameshift variant.
Genome position (GRCh38, 1-based): chr16:88,435,458, G duplicated. VCF-style (leftmost placement, unchanged base first): chr16-88435457-A-AG. GRCh37 (hg19) VCF-style: chr16-88501865-A-AG.
Other names: short protein forms P2664fs.
Identifiers: ClinVar variation 2749339 (VCV002749339.3), dbSNP rs2507598165, ClinGen allele CA2697556049.